The following is an entry in ClinVar:

ClinVar aggregate classification (germline): Uncertain significance (1 of 4 stars; one submission).

Submission:

Labcorp Genetics (formerly Invitae), Labcorp
Classification: Uncertain significance. Last evaluated: 2021-05-21. Review status: criteria provided, single submitter. Criteria: Invitae Variant Classification Sherloc (09022015). Collection method: clinical testing. Allele origin: germline.
Comment: In summary, the available evidence is currently insufficient to determine the role of this variant in disease. Therefore, it has been classified as a Variant of Uncertain Significance. Algorithms developed to predict the effect of missense changes on protein structure and function are either unavailable or do not agree on the potential impact of this missense change (SIFT: "Deleterious"; PolyPhen-2: "Benign"; Align-GVGD: "Class C0"). This variant has not been reported in the literature in individuals with RP1-related conditions. This variant is not present in population databases (ExAC no frequency). This sequence change replaces isoleucine with valine at codon 1925 of the RP1 protein (p.Ile1925Val). The isoleucine residue is highly conserved and there is a small physicochemical difference between isoleucine and valine.

NM_006269.2(RP1):c.5773A>G (p.Ile1925Val)

Genes: RP1 (RP1 axonemal microtubule associated; plus strand), LOC126860392 (CDK7 strongly-dependent group 2 enhancer GRCh37_chr8:55541319-55542518; plus strand). Cytogenetic location: 8q12.1.
Variant type: single nucleotide variant.
Coding change: c.5773A>G on transcript NM_006269.2 (MANE Select); coding-DNA position 5773, A replaced by G.
Protein change: p.Ile1925Val; replaces isoleucine 1925 with valine.
Molecular consequence: missense variant. On other transcripts: intron variant (1).
Genome position (GRCh38, 1-based): chr8:54,629,655, A>G. VCF-style: chr8-54629655-A-G. GRCh37 (hg19) VCF-style: chr8-55542215-A-G.
Other names: c.787+7367A>G (NM_001375654.1); short protein forms I1925V.
Identifiers: ClinVar variation 1355789 (VCV001355789.8), dbSNP rs2129318382, ClinGen allele CA370987868.
Genomic context (GRCh38, chr8:54,629,655, plus strand): 5'-GACTCTTTGGATAAACTGTATGCTCTTTGTGGTCAACATTGCCCAATACTAACTGTTATT[A>G]TCCAACCCATGAATGAGGAAGACCGAGGATTTGCATATCGCAAAGAATCTGATATTGAAA-3'
Protein context (NP_006260.1, residues 1915-1935): GQHCPILTVI[Ile1925Val]QPMNEEDRGF